The following is an entry in ClinVar:

NM_014905.5(GLS):c.1608T>G (p.Phe536Leu)

Gene: GLS (glutaminase; plus strand). Cytogenetic location: 2q32.2.
Variant type: single nucleotide variant.
Coding change: c.1608T>G on transcript NM_014905.5 (MANE Select); coding-DNA position 1608, T replaced by G.
Protein change: p.Phe536Leu; replaces phenylalanine 536 with leucine.
Molecular consequence: missense variant.
Genome position (GRCh38, 1-based): chr2:190,931,595, T>G. VCF-style: chr2-190931595-T-G. GRCh37 (hg19) VCF-style: chr2-191796321-T-G.
Other names: c.1608T>G, p.Phe536Leu (NM_001256310.2); short protein forms F536L.
Identifiers: ClinVar variation 3900940 (VCV003900940.1).

ClinVar aggregate classification (germline): Uncertain significance (1 of 4 stars; one submission).

Submission:

GeneDx
Classification: Uncertain significance. Last evaluated: 2024-11-27. Review status: criteria provided, single submitter. Criteria: GeneDx Variant Classification Process June 2021. Collection method: clinical testing. Allele origin: germline. Affected: yes.
Comment: Not observed at significant frequency in large population cohorts (gnomAD); In silico analysis indicates that this missense variant does not alter protein structure/function; Has not been previously published as pathogenic or benign to our knowledge